The following is an entry in ClinVar:

NM_012120.3(CD2AP):c.1035T>A (p.Ala345=)

Gene: CD2AP (CD2 associated protein; plus strand). Cytogenetic location: 6p12.3.
Variant type: single nucleotide variant.
Coding change: c.1035T>A on transcript NM_012120.3 (MANE Select); coding-DNA position 1035, T replaced by A.
Protein change: p.Ala345=; no amino-acid change (alanine 345 retained).
Molecular consequence: synonymous variant.
Genome position (GRCh38, 1-based): chr6:47,580,890, T>A. VCF-style: chr6-47580890-T-A. GRCh37 (hg19) VCF-style: chr6-47548626-T-A.
Other names: p.Ala345=.
Identifiers: ClinVar variation 792041 (VCV000792041.15), dbSNP rs34023453, ClinGen allele CA3844191.

ClinVar aggregate classification (germline): Benign/Likely benign. Review status: criteria provided, multiple submitters, no conflicts (2 of 4 stars). 5 submissions from 5 submitters: Benign (2); Likely benign (3). Last evaluated 2025-11-10.

Conditions:
Focal segmental glomerulosclerosis 3, susceptibility to (FSGS3). Identifiers: Orphanet 656, MedGen C1842982, MONDO:0011917, OMIM 607832.

Allele frequency attached by ClinVar (database versions not stated): gnomAD exomes 0.00045 and 0.00115; ExAC 0.00144; 1000 Genomes Project 0.00319; 1000 Genomes Project 30x 0.00359; gnomAD 0.00445 and 0.00471; TOPMed 0.00502; ESP Exome Variant Server 0.00661.
gnomAD v4.1: 1,368 of 1,607,270 alleles (0.085%); highest among the groups gnomAD compares: African/African-American, 1.6%; 14 homozygotes.

Submissions (5):

Labcorp Genetics (formerly Invitae), Labcorp
Classification: Benign. Last evaluated: 2025-11-10. Review status: criteria provided, single submitter. Criteria: Invitae Variant Classification Sherloc (09022015). Collection method: clinical testing. Allele origin: germline.

Blueprint Genetics
Classification: Likely benign. Last evaluated: 2024-10-07. Review status: criteria provided, single submitter. Criteria: ACMG Guidelines, 2015. Collection method: clinical testing. Allele origin: germline.

Mayo Clinic Laboratories, Mayo Clinic
Classification: Benign. Last evaluated: 2024-04-17. Review status: criteria provided, single submitter. Criteria: ACMG Guidelines, 2015. Collection method: clinical testing. Allele origin: germline. Observed: 3 variant alleles.
Comment: BS1, BS2, BP4, BP7

GeneDx
Classification: Likely benign. Last evaluated: 2021-10-26. Review status: criteria provided, single submitter. Criteria: GeneDx Variant Classification Process June 2021. Collection method: clinical testing. Allele origin: germline. Affected: yes.
Comment: See Variant Classification Assertion Criteria.

Fulgent Genetics
Classification: Likely benign for Focal segmental glomerulosclerosis 3, susceptibility to. Last evaluated: 2021-07-24. Review status: criteria provided, single submitter. Criteria: ACMG Guidelines, 2015. Collection method: clinical testing. Allele origin: unknown.